The following is an entry in ClinVar:

NM_000143.4(FH):c.1349A>G (p.Asn450Ser)

Gene: FH (fumarate hydratase; minus strand). Cytogenetic location: 1q43.
Variant type: single nucleotide variant.
Coding change: c.1349A>G on transcript NM_000143.4 (MANE Select); coding-DNA position 1349, A replaced by G.
Protein change: p.Asn450Ser; replaces asparagine 450 with serine.
Molecular consequence: missense variant.
Genome position (GRCh38, 1-based): chr1:241,500,478, T>C on the plus strand (A>G on the coding strand, the complement: FH is on the minus strand). VCF-style: chr1-241500478-T-C. GRCh37 (hg19) VCF-style: chr1-241663778-T-C.
Other names: short protein forms N450S.
Identifiers: ClinVar variation 4809331 (VCV004809331.1).

ClinVar aggregate classification (germline): Uncertain significance (1 of 4 stars; one submission).

gnomAD v4.1: 1 of 1,614,088 alleles (0.000062%); highest among the groups gnomAD compares: Non-Finnish European, 0.000085%; no homozygotes.

Submission:

Labcorp Genetics (formerly Invitae), Labcorp
Classification: Uncertain significance. Last evaluated: 2025-08-17. Review status: criteria provided, single submitter. Criteria: Invitae Variant Classification Sherloc (09022015). Collection method: clinical testing. Allele origin: germline.
Comment: This sequence change replaces asparagine, which is neutral and polar, with serine, which is neutral and polar, at codon 450 of the FH protein (p.Asn450Ser). This variant is not present in population databases (gnomAD no frequency). This variant has not been reported in the literature in individuals affected with FH-related conditions. Invitae Evidence Modeling of protein sequence and biophysical properties (such as structural, functional, and spatial information, amino acid conservation, physicochemical variation, residue mobility, and thermodynamic stability) indicates that this missense variant is not expected to disrupt FH protein function with a negative predictive value of 80%. In summary, the available evidence is currently insufficient to determine the role of this variant in disease. Therefore, it has been classified as a Variant of Uncertain Significance.